The following is an entry in ClinVar:

NM_020821.3(VPS13C):c.1126T>G (p.Tyr376Asp)

Gene: VPS13C (vacuolar protein sorting 13 homolog C; minus strand). Cytogenetic location: 15q22.2.
Variant type: single nucleotide variant.
Coding change: c.1126T>G on transcript NM_020821.3 (MANE Select); coding-DNA position 1126, T replaced by G.
Protein change: p.Tyr376Asp; replaces tyrosine 376 with aspartic acid.
Molecular consequence: missense variant.
Genome position (GRCh38, 1-based): chr15:62,007,472, A>C on the plus strand (T>G on the coding strand, the complement: VPS13C is on the minus strand). VCF-style: chr15-62007472-A-C. GRCh37 (hg19) VCF-style: chr15-62299671-A-C.
Other names: p.Tyr376Asp; c.1126T>G, p.Tyr376Asp (NM_001018088.3); c.997T>G, p.Tyr333Asp (NM_017684.5, NM_018080.4); short protein forms Y333D, Y376D.
Identifiers: ClinVar variation 1484156 (VCV001484156.4), dbSNP rs373559813, ClinGen allele CA271917190.

ClinVar aggregate classification (germline): Uncertain significance. Review status: criteria provided, multiple submitters, no conflicts (2 of 4 stars). 2 submissions from 2 submitters: Uncertain significance (2). Last evaluated 2024-02-15.

gnomAD v4.1: 1 of 1,571,220 alleles (0.000064%); highest among the groups gnomAD compares: Non-Finnish European, 0.000086%; no homozygotes.

Submissions (2):

Mayo Clinic Laboratories, Mayo Clinic
Classification: Uncertain significance. Last evaluated: 2024-02-15. Review status: criteria provided, single submitter. Criteria: ACMG Guidelines, 2015. Collection method: clinical testing. Allele origin: germline. Observed: 1 variant allele.
Comment: PP3, PM2

Labcorp Genetics (formerly Invitae), Labcorp
Classification: Uncertain significance. Last evaluated: 2021-10-04. Review status: criteria provided, single submitter. Criteria: Invitae Variant Classification Sherloc (09022015). Collection method: clinical testing. Allele origin: germline.
Comment: This sequence change replaces tyrosine with aspartic acid at codon 376 of the VPS13C protein (p.Tyr376Asp). The tyrosine residue is moderately conserved and there is a large physicochemical difference between tyrosine and aspartic acid. This variant is not present in population databases (ExAC no frequency). This missense change has been observed in individual(s) with Parkinson disease (Invitae). Algorithms developed to predict the effect of missense changes on protein structure and function are either unavailable or do not agree on the potential impact of this missense change (SIFT: "Deleterious"; PolyPhen-2: "Possibly Damaging"; Align-GVGD: "Class C0"). In summary, the available evidence is currently insufficient to determine the role of this variant in disease. Therefore, it has been classified as a Variant of Uncertain Significance.